The following is an entry in ClinVar:

ClinVar aggregate classification (germline): Conflicting classifications of pathogenicity. Review status: criteria provided, conflicting classifications (1 of 4 stars). 8 submissions from 8 submitters: Uncertain significance (3); Likely benign (4). 1 of the submissions does not count toward it. Last evaluated 2026-01-28.

Conditions:
MTRR-related disorder. Also called: MTRR-related condition.
Disorders of Intracellular Cobalamin Metabolism. Identifiers: MedGen CN043592.
Methylcobalamin deficiency type cblE (HMAE). Also called: HOMOCYSTINURIA-MEGALOBLASTIC ANEMIA, cblE COMPLEMENTATION TYPE; VITAMIN B12-RESPONSIVE HOMOCYSTINURIA, cblE TYPE; HOMOCYSTINURIA-MEGALOBLASTIC ANEMIA, cblE TYPE. Identifiers: Orphanet 2169, Orphanet 622, MedGen C1856057, MONDO:0009354, OMIM 236270.

Allele frequency attached by ClinVar (database versions not stated): 1000 Genomes Project 0.00060; 1000 Genomes Project 30x 0.00062; TOPMed 0.00186; ExAC 0.00187; gnomAD exomes 0.00187; gnomAD 0.00196; ESP Exome Variant Server 0.00208.
gnomAD v4.1: 5,012 of 1,614,224 alleles (0.31%); highest among the groups gnomAD compares: Non-Finnish European, 0.38%; 10 homozygotes.

Submissions (8):

Labcorp Genetics (formerly Invitae), Labcorp
Classification: Likely benign for Methylcobalamin deficiency type cblE. Last evaluated: 2026-01-28. Review status: criteria provided, single submitter. Criteria: Invitae Variant Classification Sherloc (09022015). Collection method: clinical testing. Allele origin: germline.

Blueprint Genetics
Classification: Likely benign. Last evaluated: 2024-11-07. Review status: criteria provided, single submitter. Criteria: ACMG Guidelines, 2015. Collection method: clinical testing. Allele origin: germline.

CeGaT Center for Human Genetics Tuebingen
Classification: Likely benign. Last evaluated: 2022-10-01. Review status: criteria provided, single submitter. Criteria: CeGaT Center For Human Genetics Tuebingen Variant Classification Criteria Version 2. Collection method: clinical testing. Allele origin: germline. Affected: yes. Observed: 2 variant alleles.
Comment: MTRR: BP4

ARUP Laboratories, Molecular Genetics and Genomics, ARUP Laboratories
Classification: Uncertain significance. Last evaluated: 2021-02-25. Review status: criteria provided, single submitter. Criteria: ARUP Molecular Germline Variant Investigation Process 2021. Collection method: clinical testing. Allele origin: germline.
Comment: The MTRR c.1982A>G; p.His661Arg variant (rs148909799), to our knowledge, is not reported in the medical literature or gene specific databases. This variant is reported as uncertain significance/likely benign in ClinVar (Variation ID: 203841), and is found in the general population with an overall allele frequency of 0.19% (523/277,022 alleles, including 2 homozygotes) in the Genome Aggregation Database. The histidine at codon 661 is weakly conserved, and computational analyses (SIFT, PolyPhen-2) predict that this variant is tolerated. Computational analyses (Alamut v.2.11) predict that this variant may impact splicing by creating a novel cryptic acceptor splice site, however without mRNA analysis it is unclear if this variant impacts splicing. Due to limited information, the clinical significance of the p.His661Arg variant is uncertain at this time.

GeneDx
Classification: Likely benign. Last evaluated: 2018-06-25. Review status: criteria provided, single submitter. Criteria: GeneDx Variant Classification Process June 2021. Collection method: clinical testing. Allele origin: germline. Affected: yes.

Illumina Laboratory Services, Illumina
Classification: Uncertain significance for Disorders of Intracellular Cobalamin Metabolism. Last evaluated: 2018-01-12. Review status: criteria provided, single submitter. Criteria: ICSL Variant Classification Criteria 13 December 2019. Collection method: clinical testing. Allele origin: germline.

Center for Pediatric Genomic Medicine, Children's Mercy Hospital and Clinics
Classification: Uncertain significance. Last evaluated: 2017-06-15. Review status: criteria provided, single submitter. Criteria: ACMG Guidelines, 2015. Collection method: clinical testing. Allele origin: germline.

PreventionGenetics, part of Exact Sciences
Classification: Likely benign for MTRR-related condition. Last evaluated: 2023-02-06. Review status: no assertion criteria provided. Collection method: clinical testing. Allele origin: germline. Not counted in ClinVar's aggregate classification.
Comment: This variant is classified as likely benign based on ACMG/AMP sequence variant interpretation guidelines (Richards et al. 2015 PMID: 25741868, with internal and published modifications).

NM_002454.3(MTRR):c.1982A>G (p.His661Arg)

Gene: MTRR (5-methyltetrahydrofolate-homocysteine methyltransferase reductase; plus strand). Cytogenetic location: 5p15.31.
Variant type: single nucleotide variant.
Coding change: c.1982A>G on transcript NM_002454.3 (MANE Select); coding-DNA position 1982, A replaced by G.
Protein change: p.His661Arg; replaces histidine 661 with arginine.
Molecular consequence: missense variant. On other transcripts: non-coding transcript variant (14).
Genome position (GRCh38, 1-based): chr5:7,899,943, A>G. VCF-style: chr5-7899943-A-G. GRCh37 (hg19) VCF-style: chr5-7900056-A-G.
Other names: p.H688R:CAT>CGT; c.1982A>G, p.His661Arg (NM_001364440.2, NM_001364441.2, NM_001364442.2 and 1 more transcripts); short protein forms H661R.
Identifiers: ClinVar variation 203841 (VCV000203841.89), dbSNP rs148909799, ClinGen allele CA312754.